The following is an entry in ClinVar:

ClinVar aggregate classification (germline): Uncertain significance (1 of 4 stars; one submission).

Conditions:
Neuroblastoma, susceptibility to, 3. Also called: ALK-Related Neuroblastic Tumor Susceptibility. Identifiers: Orphanet 635, MedGen C2751681, MONDO:0013083, OMIM 613014.

Submission:

Labcorp Genetics (formerly Invitae), Labcorp
Classification: Uncertain significance for Neuroblastoma, susceptibility to, 3. Last evaluated: 2022-06-03. Review status: criteria provided, single submitter. Criteria: Invitae Variant Classification Sherloc (09022015). Collection method: clinical testing. Allele origin: germline.
Comment: In summary, the available evidence is currently insufficient to determine the role of this variant in disease. Therefore, it has been classified as a Variant of Uncertain Significance. This sequence change creates a premature translational stop signal (p.Leu143Profs*83) in the ALK gene. It is expected to result in an absent or disrupted protein product. However, the current clinical and genetic evidence is not sufficient to establish whether loss-of-function variants in ALK cause disease. This variant is not present in population databases (gnomAD no frequency). This variant has not been reported in the literature in individuals affected with ALK-related conditions. Experimental studies and prediction algorithms are not available or were not evaluated, and the functional significance of this variant is currently unknown.

NM_004304.5(ALK):c.427dup (p.Leu143fs)

Gene: ALK (ALK receptor tyrosine kinase; minus strand). Cytogenetic location: 2p23.1.
Variant type: Duplication.
Coding change: c.427dup on transcript NM_004304.5 (MANE Select); coding-DNA position 427, one base duplicated (C; older notation c.427dupC).
Protein change: p.Leu143fs; shifts the reading frame from leucine 143.
Molecular consequence: frameshift variant.
Genome position (GRCh38, 1-based): chr2:29,920,233, G duplicated on the plus strand (C on the coding strand, the reverse complement: ALK is on the minus strand). VCF-style (leftmost placement, unchanged base first): chr2-29920232-A-AG. GRCh37 (hg19) VCF-style: chr2-30143098-A-AG.
Other names: short protein forms L143fs.
Identifiers: ClinVar variation 2002155 (VCV002002155.4), dbSNP rs2465866096, ClinGen allele CA2580066357.
Genomic context (GRCh38, chr2:29,920,232, plus strand): 5'-ACAGCCGCCTCCCCGGGGGGCCCGACGCAACCCTCCAAGATCGCCTCCTCGCCCAGCTCC[A>AG]GCACCAACTGCTTGGCACGCCGGAGCTTGCGCACGGAGCCGCCCTTCAGCACCCTGGACA-3'